The following is an entry in ClinVar:

ClinVar aggregate classification (germline): Uncertain significance. Review status: criteria provided, multiple submitters, no conflicts (2 of 4 stars). 2 submissions from 2 submitters: Uncertain significance (2). Last evaluated 2025-03-19.

Conditions:
Joubert syndrome 6 (JBTS6). Identifiers: Orphanet 475, MedGen C1853153, MONDO:0012539, OMIM 610688.

Allele frequency attached by ClinVar (database versions not stated): ExAC 0.00001; gnomAD 0.00001; gnomAD exomes 0.00001; TOPMed 0.00001.
gnomAD v4.1: 7 of 1,612,844 alleles (0.00043%); highest among the groups gnomAD compares: Non-Finnish European, 0.00059%; no homozygotes.

Submissions (2):

Women's Health and Genetics/Laboratory Corporation of America, LabCorp
Classification: Uncertain significance. Last evaluated: 2025-03-19. Review status: criteria provided, single submitter. Criteria: LabCorp Variant Classification Summary - May 2015. Collection method: clinical testing. Allele origin: germline.
Comment: Variant summary: TMEM67 c.628T>C (p.Ser210Pro) results in a non-conservative amino acid change in the encoded protein sequence. Four of five in-silico tools predict a benign effect of the variant on protein function. The variant allele was found at a frequency of 1.2e-05 in 251374 control chromosomes. c.628T>C has been reported in the literature in individuals affected with Joubert Syndrome And Related Disorders. These data indicate that the variant may be associated with disease (Stokman_2018). To our knowledge, no experimental evidence demonstrating an impact on protein function has been reported. The following publication have been ascertained in the context of this evaluation (PMID: 29974258). ClinVar contains an entry for this variant (Variation ID: 813947). Based on the evidence outlined above, the variant was classified as VUS-possibly pathogenic.

Broad Center for Mendelian Genomics, Broad Institute of MIT and Harvard
Classification: Uncertain significance for Joubert syndrome 6. Last evaluated: 2018-12-03. Review status: criteria provided, single submitter. Criteria: ACMG Guidelines, 2015. Collection method: research. Allele origin: germline. Inheritance: Autosomal recessive inheritance. Affected: yes.
Comment: The presence of this variant in combination with a likely pathogenic variant and in an individual with Joubert syndrome increases the likelihood that the p.Ser210Pro variant is pathogenic. This variant has been identified in 0.003158% (4/126676) of European (non-Finnish) chromosomes by the Genome Aggregation Database (gnomAD; dbSNP rs771718467). Although this variant has been seen in the general population, its frequency is low enough to be consistent with a recessive carrier frequency. Computational prediction tools and conservation analyses suggest that this variant may not impact the protein, though this information is not predictive enough to rule out pathogenicity. In summary, the clinical significance of the p.Ser210Pro variant is uncertain. ACMG/AMP Criteria applied: PM2, PM3_Supporting, BP4 (Richards 2015).

Literature cited by the submitters: PubMed 29974258 (cited by Women's Health and Genetics/Laboratory Corporation of America, LabCorp).

NM_153704.6(TMEM67):c.628T>C (p.Ser210Pro)

Gene: TMEM67 (transmembrane protein 67; plus strand). Cytogenetic location: 8q22.1.
Variant type: single nucleotide variant.
Coding change: c.628T>C on transcript NM_153704.6 (MANE Select); coding-DNA position 628, T replaced by C.
Protein change: p.Ser210Pro; replaces serine 210 with proline.
Molecular consequence: missense variant. On other transcripts: non-coding transcript variant (1).
Genome position (GRCh38, 1-based): chr8:93,765,623, T>C. VCF-style: chr8-93765623-T-C. GRCh37 (hg19) VCF-style: chr8-94777851-T-C.
Other names: c.385T>C, p.Ser129Pro (NM_001142301.1); short protein forms S129P, S210P.
Identifiers: ClinVar variation 813947 (VCV000813947.2), dbSNP rs771718467, ClinGen allele CA4807721.
Genomic context (GRCh38, chr8:93,765,623, plus strand): 5'-TTTATGAAGACAGGGGGATTATGTTTCAGCAGCACAGGGAATTTTCCTCTACGTAGAATT[T>C]CAGCTGCACGTTATGGAGAAGTTGTGAGTATGTTTCAATTTTTTTGTTCTGTTGTTAAAA-3'
Protein context (NP_714915.3, residues 200-220): STGNFPLRRI[Ser210Pro]AARYGEVGMS